The following is an entry in ClinVar:

NM_007186.6(CEP250):c.2641G>A (p.Glu881Lys)

Genes: CEP250 (centrosomal protein 250; plus strand), CEP250-AS1 (CEP250 antisense RNA 1; minus strand). Cytogenetic location: 20q11.22.
Variant type: single nucleotide variant.
Coding change: c.2641G>A on transcript NM_007186.6 (MANE Select); coding-DNA position 2641, G replaced by A.
Protein change: p.Glu881Lys; replaces glutamic acid 881 with lysine.
Molecular consequence: missense variant.
Genome position (GRCh38, 1-based): chr20:35,490,691, G>A. VCF-style: chr20-35490691-G-A. GRCh37 (hg19) VCF-style: chr20-34078517-G-A.
Other names: p.Glu881Lys; c.745G>A, p.Glu249Lys (NM_001318219.1); short protein forms E249K, E881K.
Identifiers: ClinVar variation 769467 (VCV000769467.41), dbSNP rs140439099, ClinGen allele CA9833240.

ClinVar aggregate classification (germline): Benign/Likely benign. Review status: criteria provided, multiple submitters, no conflicts (2 of 4 stars). 4 submissions from 4 submitters: Benign (1); Likely benign (3). Last evaluated 2026-09-01.

Allele frequency attached by ClinVar (database versions not stated): ESP Exome Variant Server 0.00584; gnomAD 0.00609 and 0.00583; TOPMed 0.00642; gnomAD exomes 0.00731 and 0.00513; 1000 Genomes Project 30x 0.00297; 1000 Genomes Project 0.00300; ExAC 0.00453.
gnomAD v4.1: 11,559 of 1,613,768 alleles (0.72%); highest among the groups gnomAD compares: Non-Finnish European, 0.86%; 56 homozygotes.

Submissions (4):

CeGaT Center for Human Genetics Tuebingen
Classification: Likely benign. Last evaluated: 2026-09-01. Review status: criteria provided, single submitter. Criteria: CeGaT Center For Human Genetics Tuebingen Variant Classification Criteria Version 2. Collection method: clinical testing. Allele origin: germline. Affected: yes. Observed: 7 variant alleles.
Comment: CEP250: BP4, BS2

Labcorp Genetics (formerly Invitae), Labcorp
Classification: Likely benign. Last evaluated: 2026-01-21. Review status: criteria provided, single submitter. Criteria: Invitae Variant Classification Sherloc (09022015). Collection method: clinical testing. Allele origin: germline.

Mayo Clinic Laboratories, Mayo Clinic
Classification: Benign. Last evaluated: 2023-05-01. Review status: criteria provided, single submitter. Criteria: ACMG Guidelines, 2015. Collection method: clinical testing. Allele origin: germline. Observed: 2 variant alleles.
Comment: BA1, BS2

Breakthrough Genomics
Classification: Likely benign. Review status: criteria provided, single submitter. Criteria: ACMG Guidelines, 2015. Collection method: not provided. Allele origin: germline. Inheritance: Autosomal recessive inheritance. Affected: yes.